The following is an entry in ClinVar:

ClinVar aggregate classification (germline): Uncertain significance (1 of 4 stars; one submission).

Submission:

Ambry Genetics
Classification: Uncertain significance. Last evaluated: 2025-12-15. Review status: criteria provided, single submitter. Criteria: Ambry Variant Classification Scheme 2023. Collection method: clinical testing. Allele origin: germline.
Comment: The c.2587A>C (p.I863L) alteration is located in exon 21 (coding exon 19) of the RSPH10B2 gene. This alteration results from a A to C substitution at nucleotide position 2587, causing the isoleucine (I) at amino acid position 863 to be replaced by a leucine (L). Based on data from gnomAD, the C allele has an overall frequency of 0.002% (2/97656) total alleles studied. The highest observed frequency was 0.004% (2/52010) of European (non-Finnish) alleles. Based on insufficient or conflicting evidence, the clinical significance of this alteration remains unclear.

NM_001099697.2(RSPH10B2):c.2587A>C (p.Ile863Leu)

Gene: RSPH10B2 (radial spoke head 10 homolog B2; plus strand). Cytogenetic location: 7p22.1.
Variant type: single nucleotide variant.
Coding change: c.2587A>C on transcript NM_001099697.2 (MANE Select); coding-DNA position 2587, A replaced by C.
Protein change: p.Ile863Leu; replaces isoleucine 863 with leucine.
Molecular consequence: missense variant.
Genome position (GRCh38, 1-based): chr7:6,798,517, A>C. VCF-style: chr7-6798517-A-C. GRCh37 (hg19) VCF-style: chr7-6838148-A-C.
Other names: short protein forms I863L.
Identifiers: ClinVar variation 4829724 (VCV004829724.1).